The following is an entry in ClinVar:

ClinVar aggregate classification (germline): Pathogenic. Review status: criteria provided, multiple submitters, no conflicts (2 of 4 stars). 5 submissions from 5 submitters: Pathogenic (4). 1 of the submissions does not count toward it. Last evaluated 2025-06-11.

Conditions:
Multiple mitochondrial dysfunctions syndrome 3 (MMDS3). Identifiers: Orphanet 363424, MedGen C3809165, MONDO:0014132, OMIM 615330.
Hereditary spastic paraplegia 74. Also called: Spastic paraplegia 74, autosomal recessive. Identifiers: Orphanet 468661, MedGen C5568837, MONDO:0014644, OMIM 616451.

Allele frequency attached by ClinVar (database versions not stated): ExAC below 0.00001; gnomAD exomes below 0.00001; TOPMed 0.00002.

Submissions (5):

3billion
Classification: Pathogenic for Multiple mitochondrial dysfunctions syndrome 3. Last evaluated: 2025-06-11. Review status: criteria provided, single submitter. Criteria: ACMG Guidelines, 2015. Collection method: clinical testing. Allele origin: germline. Affected: yes.
Comment: The variant is observed at an extremely low frequency in the gnomAD v4.1.0 dataset (total allele frequency: <0.001%). Predicted Consequence/Location: Missense variant In silico tool predictions suggest damaging effect of the variant on gene or gene product [REVEL: 0.85 (>=0.6, sensitivity 0.68 and specificity 0.92); 3Cnet: 0.96 (> 0.75, sensitivity 0.96 and precision 0.92)]. The same nucleotide change resulting in the same amino acid change has been previously reported as pathogenic/likely pathogenic with strong evidence (ClinVar ID: VCV000545649 /PMID: 28671726 /3billion dataset). The variant has been reported to be in trans with a pathogenic variant as either compound heterozygous or homozygous in at least 4 similarly affected unrelated individuals (PMID: 28671726, 32348839). Therefore, this variant is classified as Pathogenic according to the recommendation of ACMG/AMP guideline.

The Molecular Genetic and Pathologic Diagnosis Center of Neuromuscular Disorder, Children's Hospital of Fudan University
Classification: Pathogenic for Multiple mitochondrial dysfunctions syndrome 3. Last evaluated: 2019-12-01. Review status: criteria provided, single submitter. Criteria: ACMG Guidelines, 2015. Collection method: clinical testing. Allele origin: germline. Affected: yes.

Juno Genomics, Hangzhou Juno Genomics, Inc
Classification: Pathogenic for Hereditary spastic paraplegia 74; Multiple mitochondrial dysfunctions syndrome 3. Review status: criteria provided, single submitter. Criteria: ACMG Guidelines, 2015. Collection method: clinical testing. Allele origin: germline.
Comment: Absent from controls (or at extremely low frequency if recessive) in Genome Aggregation Database.;Multiple lines of computational evidence support a deleterious effect on the gene or gene product.;For recessive disorders, detected in trans with a pathogenic variant.

Molecular Diagnostic Laboratory, Beijing Chigene Translational Medicine Research Center
Classification: Pathogenic for Multiple mitochondrial dysfunctions syndrome 3. Review status: criteria provided, single submitter. Criteria: ACMG Guidelines, 2015. Collection method: clinical testing. Allele origin: paternal. Inheritance: Autosomal recessive inheritance. Affected: yes.
Comment: The c.286T>C variant has the rs number rs765926471 and is not recorded in general population carrier frequency databases such as the Thousand Genomes Project or gnomAD. According to the ACMG guidelines, this variant is classified as a pathogenic variant: PM2_Supporting + PM3_VeryStrong + PP1_Moderate + PP3, with the specific basis as follows: PM3_VeryStrong：The variant has been detected as a homozygous variant or in trans phase with pathogenic (P) or likely pathogenic (LP) variants, or in trans phase with variants of uncertain significance (VUS) in one or more patients with a phenotype correlation, achieving a PM3-Case_Score of ≥4.0 [PMID: 28671726, 32348839]. PP1_Moderate：The variant has been found to co-segregate at least twice in the self-check case database and literature reports for recessive diseases or at least four times for dominant diseases [PMID: 28671726]. PP3：Various bioinformatics computational methods predict that the variant has a deleterious effect on the gene/gene product or affects splicing to a level that meets the supportive threshold. In summary, this variant meets criteria to be classified as pathogenic based on the ACMG/AMP criteria applied.

OMIM
Classification: Pathogenic for MULTIPLE MITOCHONDRIAL DYSFUNCTIONS SYNDROME 3. Last evaluated: 2018-06-25. Review status: no assertion criteria provided. Collection method: literature only. Allele origin: germline. Not counted in ClinVar's aggregate classification.

Literature cited by the submitters: PubMed 32348839 (cited by 3billion); PubMed 28671726 (cited by 3billion and OMIM).

NM_001010867.4(IBA57):c.286T>C (p.Tyr96His)

Gene: IBA57 (iron-sulfur cluster assembly factor IBA57; plus strand). Cytogenetic location: 1q42.13.
Variant type: single nucleotide variant.
Coding change: c.286T>C on transcript NM_001010867.4 (MANE Select); coding-DNA position 286, T replaced by C.
Protein change: p.Tyr96His; replaces tyrosine 96 with histidine.
Molecular consequence: missense variant.
Genome position (GRCh38, 1-based): chr1:228,166,102, T>C. VCF-style: chr1-228166102-T-C. GRCh37 (hg19) VCF-style: chr1-228353803-T-C.
Other names: short protein forms Y96H.
Identifiers: ClinVar variation 545649 (VCV000545649.8), dbSNP rs765926471, ClinGen allele CA1431096.